The following is an entry in ClinVar:

NM_004944.4(DNASE1L3):c.817G>A (p.Asp273Asn)

Gene: DNASE1L3 (deoxyribonuclease 1L3; minus strand). Cytogenetic location: 3p14.3.
Variant type: single nucleotide variant.
Coding change: c.817G>A on transcript NM_004944.4 (MANE Select); coding-DNA position 817, G replaced by A.
Protein change: p.Asp273Asn; replaces aspartic acid 273 with asparagine.
Molecular consequence: missense variant.
Genome position (GRCh38, 1-based): chr3:58,192,788, C>T on the plus strand (G>A on the coding strand, the complement: DNASE1L3 is on the minus strand). VCF-style: chr3-58192788-C-T. GRCh37 (hg19) VCF-style: chr3-58178515-C-T.
Other names: c.727G>A, p.Asp243Asn (NM_001256560.2); short protein forms D273N, D243N.
Identifiers: ClinVar variation 3589499 (VCV003589499.2).

ClinVar aggregate classification (germline): Uncertain significance. Review status: criteria provided, multiple submitters, no conflicts (2 of 4 stars). 2 submissions from 2 submitters: Uncertain significance (2). Last evaluated 2024-08-30.

Conditions:
Autosomal systemic lupus erythematosus type 16. Also called: Systemic lupus erythematosus 16. Identifiers: Orphanet 300345, MedGen C3280742, MONDO:0013743, OMIM 614420.

gnomAD v4.1: 11 of 1,613,596 alleles (0.00068%); highest among the groups gnomAD compares: Middle Eastern, 0.033%; no homozygotes.

Submissions (2):

Laboratorio de Genetica e Diagnostico Molecular, Hospital Israelita Albert Einstein
Classification: Uncertain significance for Autosomal systemic lupus erythematosus type 16. Last evaluated: 2024-08-30. Review status: criteria provided, single submitter. Criteria: ACMG Guidelines, 2015. Collection method: clinical testing. Allele origin: germline. Affected: yes.
Comment: ACMG classification criteria: PM2 supporting, PP3 supporting

Fulgent Genetics
Classification: Uncertain significance for Autosomal systemic lupus erythematosus type 16. Last evaluated: 2024-03-18. Review status: criteria provided, single submitter. Criteria: ACMG Guidelines, 2015. Collection method: clinical testing. Allele origin: germline.